The following is an entry in ClinVar:

NM_015046.7(SETX):c.4481A>G (p.Asp1494Gly)

Gene: SETX (senataxin; minus strand). Cytogenetic location: 9q34.13.
Variant type: single nucleotide variant.
Coding change: c.4481A>G on transcript NM_015046.7 (MANE Select); coding-DNA position 4481, A replaced by G.
Protein change: p.Asp1494Gly; replaces aspartic acid 1494 with glycine.
Molecular consequence: missense variant.
Genome position (GRCh38, 1-based): chr9:132,327,117, T>C on the plus strand (A>G on the coding strand, the complement: SETX is on the minus strand). VCF-style: chr9-132327117-T-C. GRCh37 (hg19) VCF-style: chr9-135202504-T-C.
Other names: c.4481A>G, p.Asp1494Gly (NM_001351527.2, NM_001351528.2); short protein forms D1494G.
Identifiers: ClinVar variation 2924364 (VCV002924364.6), dbSNP rs768289137, ClinGen allele CA5297193.

ClinVar aggregate classification (germline): Conflicting classifications of pathogenicity. Review status: criteria provided, conflicting classifications (1 of 4 stars). 4 submissions from 4 submitters: Uncertain significance (3); Benign (1). Last evaluated 2026-01-06.

Conditions:
Inborn genetic diseases. Identifiers: MedGen C0950123, MeSH D030342.
Amyotrophic lateral sclerosis type 4 (ALS4). Also called: AMYOTROPHIC LATERAL SCLEROSIS 4, JUVENILE; NEURONOPATHY, DISTAL HEREDITARY MOTOR, WITH PYRAMIDAL FEATURES. Identifiers: Orphanet 357043, MedGen C1865409, MONDO:0011223, OMIM 602433.
Spinocerebellar ataxia, autosomal recessive, with axonal neuropathy 2 (SCAN2). Also called: ATAXIA-OCULOMOTOR APRAXIA 2; Ataxia with Oculomotor Apraxia Type 2; Ataxia-ocular apraxia-2; Ataxia with Oculomotor Apraxia. Identifiers: Orphanet 64753, MedGen C1853761, MONDO:0018996, OMIM 606002.

Allele frequency attached by ClinVar (database versions not stated): gnomAD exomes 0.00001; TOPMed 0.00001; ExAC 0.00002.
gnomAD v4.1: 5 of 1,614,234 alleles (0.00031%); highest among the groups gnomAD compares: Admixed American, 0.0017%; no homozygotes.

Submissions (4):

Women's Health and Genetics/Laboratory Corporation of America, LabCorp
Classification: Uncertain significance. Last evaluated: 2026-01-06. Review status: criteria provided, single submitter. Criteria: LabCorp Variant Classification Summary - May 2015. Collection method: clinical testing. Allele origin: germline.
Comment: Variant summary: SETX c.4481A>G (p.Asp1494Gly) results in a non-conservative amino acid change in the encoded protein sequence. Algorithms developed to predict the effect of missense changes on protein structure and function are either unavailable or do not agree on the potential impact of this missense change. The variant allele was found at a frequency of 1.2e-05 in 251316 control chromosomes. The available data on variant occurrences in the general population are insufficient to allow any conclusion about variant significance. To our knowledge, no occurrence of c.4481A>G in individuals affected with SETX-related conditions and no experimental evidence demonstrating its impact on protein function have been reported. ClinVar contains an entry for this variant (Variation ID: 2924364). Based on the evidence outlined above, the variant was classified as uncertain significance.

Ambry Genetics
Classification: Uncertain significance for Inborn genetic diseases. Last evaluated: 2025-05-05. Review status: criteria provided, single submitter. Criteria: Ambry Variant Classification Scheme 2023. Collection method: clinical testing. Allele origin: germline.

Athena Diagnostics
Classification: Uncertain significance. Last evaluated: 2024-12-17. Review status: criteria provided, single submitter. Criteria: Athena Diagnostics Criteria. Collection method: clinical testing. Allele origin: unknown.
Comment: Available data are insufficient to determine the clinical significance of the variant at this time. The frequency of this variant in the general population is uninformative in assessment of its pathogenicity. Computational tools yielded predictions that this variant may result in the gain of a cryptic splice site without affecting the natural splice sites. Polyphen and MutationTaster predict this amino acid change may be benign.

Labcorp Genetics (formerly Invitae), Labcorp
Classification: Benign for Amyotrophic lateral sclerosis type 4; Spinocerebellar ataxia, autosomal recessive, with axonal neuropathy 2. Last evaluated: 2023-05-18. Review status: criteria provided, single submitter. Criteria: Invitae Variant Classification Sherloc (09022015). Collection method: clinical testing. Allele origin: germline.